The following is an entry in ClinVar:

NM_001267550.2(TTN):c.106279C>T (p.Gln35427Ter)

Genes: TTN (titin; minus strand), TTN-AS1 (TTN antisense RNA 1; plus strand). Cytogenetic location: 2q31.2.
Variant type: single nucleotide variant.
Coding change: c.106279C>T on transcript NM_001267550.2 (MANE Select); coding-DNA position 106279, C replaced by T.
Protein change: p.Gln35427Ter; replaces glutamine 35427 with a stop codon.
Molecular consequence: nonsense.
Genome position (GRCh38, 1-based): chr2:178,530,336, G>A on the plus strand (C>T on the coding strand, the complement: TTN is on the minus strand). VCF-style: chr2-178530336-G-A. GRCh37 (hg19) VCF-style: chr2-179395063-G-A.
Other names: c.101356C>T, p.Gln33786Ter (NM_001256850.1); c.79084C>T, p.Gln26362Ter (NM_003319.4); c.98575C>T, p.Gln32859Ter (NM_133378.4); c.79459C>T, p.Gln26487Ter (NM_133432.3); c.79660C>T, p.Gln26554Ter (NM_133437.4); short protein forms Q26362*, Q26487*, Q26554*, Q32859*, Q33786*, Q35427*.
Identifiers: ClinVar variation 1068341 (VCV001068341.11), dbSNP rs1285334952, ClinGen allele CA349406340.

ClinVar aggregate classification (germline): Pathogenic/Likely pathogenic. Review status: criteria provided, multiple submitters, no conflicts (2 of 4 stars). 3 submissions from 3 submitters: Pathogenic (1); Likely pathogenic (2). Last evaluated 2025-12-08.

Conditions:
Dilated cardiomyopathy 1G (CMD1G). Identifiers: Orphanet 154, MedGen C1858763, MONDO:0011400, OMIM 604145.
Autosomal recessive limb-girdle muscular dystrophy type 2J (LGMDR10). Also called: MUSCULAR DYSTROPHY, LIMB-GIRDLE, AUTOSOMAL RECESSIVE 10; Limb-girdle muscular dystrophy, type 2J. Identifiers: Orphanet 140922, MedGen C1837342, MONDO:0012127, OMIM 608807.

Allele frequency attached by ClinVar (database versions not stated): gnomAD exomes below 0.00001; gnomAD 0.00001.
gnomAD v4.1: 4 of 1,613,834 alleles (0.00025%); highest among the groups gnomAD compares: African/African-American, 0.0013%; no homozygotes.

Submissions (3):

Labcorp Genetics (formerly Invitae), Labcorp
Classification: Likely pathogenic for Dilated cardiomyopathy 1G; Autosomal recessive limb-girdle muscular dystrophy type 2J. Last evaluated: 2025-12-08. Review status: criteria provided, single submitter. Criteria: Invitae Variant Classification Sherloc (09022015). Collection method: clinical testing. Allele origin: germline.
Comment: This sequence change creates a premature translational stop signal (p.Gln35427*) in the TTN gene. While this is not anticipated to result in nonsense mediated decay, it is expected to create a truncated TTN protein. This variant is present in population databases (no rsID available, gnomAD 0.007%). This variant has not been reported in the literature in individuals affected with TTN-related conditions. ClinVar contains an entry for this variant (Variation ID: 1068341). This variant is located in the M band of TTN (PMID: 25589632). Truncating variants in this region have been previously reported in individuals affected with autosomal dominant or autosomal recessive myopathy and muscular dystrophy (PMID: 18948003, 23975875, 24395473). Truncating variants in this region have also been identified in individuals affected with autosomal dominant dilated cardiomyopathy and/or cardio-related conditions (PMID: 27869827, 32964742, internal data). In summary, the currently available evidence indicates that the variant is pathogenic, but additional data are needed to prove that conclusively. Therefore, this variant has been classified as Likely Pathogenic.

Dasa
Classification: Pathogenic. Last evaluated: 2024-08-29. Review status: criteria provided, single submitter. Criteria: DASA Assertion Criteria. Collection method: clinical testing. Allele origin: germline.
Comment: NM_001267550.2(TTN):c.106279C>T (p.Gln35427*) introduces a premature termination codon predicted to result in loss of normal protein function. Loss-of-function is an established mechanism of disease for this gene. The variant is present at low frequency in population datasets. Based on the available data, this variant is classified as pathogenic.

GeneDx
Classification: Likely pathogenic. Last evaluated: 2022-12-07. Review status: criteria provided, single submitter. Criteria: GeneDx Variant Classification Process June 2021. Collection method: clinical testing. Allele origin: germline. Affected: yes.
Comment: Nonsense variant predicted to result in protein truncation or nonsense mediated decay in a gene for which loss of function is a known mechanism of disease; Not observed at significant frequency in large population cohorts (gnomAD); Has not been previously published as pathogenic or benign to our knowledge; Located in the M-line region of TTN in which the majority of loss of function variants have been associated with autosomal recessive titinopathies (Carmignac et al., 2007); This variant is associated with the following publications: (PMID: 17444505)

Literature cited by the submitters: PubMed 25589632 (cited by Labcorp Genetics (formerly Invitae), Labcorp); PubMed 18948003 (cited by Labcorp Genetics (formerly Invitae), Labcorp); PubMed 23975875 (cited by Labcorp Genetics (formerly Invitae), Labcorp); PubMed 24395473 (cited by Labcorp Genetics (formerly Invitae), Labcorp); PubMed 27869827 (cited by Labcorp Genetics (formerly Invitae), Labcorp); PubMed 32964742 (cited by Labcorp Genetics (formerly Invitae), Labcorp).